The following is an entry in ClinVar:

ClinVar aggregate classification (germline): Uncertain significance (1 of 4 stars; one submission).

Conditions:
Catecholaminergic polymorphic ventricular tachycardia 1. Also called: VENTRICULAR TACHYCARDIA, CATECHOLAMINERGIC POLYMORPHIC, 1, WITH OR WITHOUT ATRIAL DYSFUNCTION AND/OR DILATED CARDIOMYOPATHY; RYR2-Related Catecholaminergic Polymorphic Ventricular Tachycardia; VENTRICULAR TACHYCARDIA, STRESS-INDUCED POLYMORPHIC 1. Identifiers: Orphanet 3286, MedGen C1631597, MONDO:0011484, OMIM 604772.

Submission:

Labcorp Genetics (formerly Invitae), Labcorp
Classification: Uncertain significance for Catecholaminergic polymorphic ventricular tachycardia 1. Last evaluated: 2022-05-18. Review status: criteria provided, single submitter. Criteria: Invitae Variant Classification Sherloc (09022015). Collection method: clinical testing. Allele origin: germline.
Comment: This sequence change replaces asparagine, which is neutral and polar, with aspartic acid, which is acidic and polar, at codon 1743 of the RYR2 protein (p.Asn1743Asp). This variant is not present in population databases (gnomAD no frequency). This variant has not been reported in the literature in individuals affected with RYR2-related conditions. Advanced modeling of protein sequence and biophysical properties (such as structural, functional, and spatial information, amino acid conservation, physicochemical variation, residue mobility, and thermodynamic stability) performed at Invitae indicates that this missense variant is not expected to disrupt RYR2 protein function. In summary, the available evidence is currently insufficient to determine the role of this variant in disease. Therefore, it has been classified as a Variant of Uncertain Significance.

NM_001035.3(RYR2):c.5227A>G (p.Asn1743Asp)

Gene: RYR2 (ryanodine receptor 2; plus strand). Cytogenetic location: 1q43.
Variant type: single nucleotide variant.
Coding change: c.5227A>G on transcript NM_001035.3 (MANE Select); coding-DNA position 5227, A replaced by G.
Protein change: p.Asn1743Asp; replaces asparagine 1743 with aspartic acid.
Molecular consequence: missense variant.
Genome position (GRCh38, 1-based): chr1:237,614,355, A>G. VCF-style: chr1-237614355-A-G. GRCh37 (hg19) VCF-style: chr1-237777655-A-G.
Other names: short protein forms N1743D.
Identifiers: ClinVar variation 2191788 (VCV002191788.4), dbSNP rs2546793159, ClinGen allele CA345404400.